The following is an entry in ClinVar:

ClinVar aggregate classification (germline): Likely pathogenic (1 of 4 stars; one submission).

Conditions:
Bilateral congenital or childhood onset cataracts.

Submission:

North West Genomic Laboratory Hub, Manchester University NHS Foundation Trust
Classification: Likely pathogenic for Bilateral congenital or childhood onset cataracts. Last evaluated: 2025-05-16. Review status: criteria provided, single submitter. Criteria: ACGS Best Practice Guidelines for Variant Classification in Rare Disease 2024. Collection method: clinical testing. Allele origin: germline. Affected: yes.
Comment: PM1_Supp PP3_Supp PM5_Mod PM2_Mod

NM_001374675.1(HSF4):c.355C>A (p.Arg119Ser)

Gene: HSF4 (heat shock transcription factor 4; plus strand). Cytogenetic location: 16q22.1.
Variant type: single nucleotide variant.
Coding change: c.355C>A on transcript NM_001374675.1 (MANE Select); coding-DNA position 355, C replaced by A.
Protein change: p.Arg119Ser; replaces arginine 119 with serine.
Molecular consequence: missense variant.
Genome position (GRCh38, 1-based): chr16:67,165,841, C>A. VCF-style: chr16-67165841-C-A. GRCh37 (hg19) VCF-style: chr16-67199744-C-A.
Other names: c.355C>A, p.Arg119Ser (NM_001040667.3, NM_001374674.1, NM_001538.4); short protein forms R119S.
Identifiers: ClinVar variation 5021446 (VCV005021446.1).